The following is an entry in ClinVar:

NM_000262.3(NAGA):c.190C>T (p.Gln64Ter)

Genes: NAGA (alpha-N-acetylgalactosaminidase; minus strand), LOC126863160 (CDK7 strongly-dependent group 2 enhancer GRCh37_chr22:42462918-42464117; plus strand). Cytogenetic location: 22q13.2.
Variant type: single nucleotide variant.
Coding change: c.190C>T on transcript NM_000262.3 (MANE Select); coding-DNA position 190, C replaced by T.
Protein change: p.Gln64Ter; replaces glutamine 64 with a stop codon.
Molecular consequence: nonsense.
Genome position (GRCh38, 1-based): chr22:42,067,899, G>A on the plus strand (C>T on the coding strand, the complement: NAGA is on the minus strand). VCF-style: chr22-42067899-G-A. GRCh37 (hg19) VCF-style: chr22-42463903-G-A.
Other names: c.190C>T, p.Gln64Ter (NM_001362848.1, NM_001362850.1); short protein forms Q64*.
Identifiers: ClinVar variation 3671348 (VCV003671348.3).
Genomic context (GRCh38, chr22:42,067,899, plus strand): 5'-CACCGATCCAGCAGTCATCAATGTTGAGGTATGTGTAGCCCATGTCCCGCCATCCATCCT[G>A]TGCCATCCGGTCAGCCATCTCCATGAAGAGCTGTTCACTAGTGAGGGGCAGAGGGATGGG-3'

ClinVar aggregate classification (germline): Pathogenic. Review status: criteria provided, multiple submitters, no conflicts (2 of 4 stars). 2 submissions from 2 submitters: Pathogenic (2). Last evaluated 2026-05-23.

Conditions:
Alpha-N-acetylgalactosaminidase deficiency type 1. Also called: SCHINDLER DISEASE, TYPE I; ALPHA-N-ACETYLGALACTOSAMINIDASE DEFICIENCY, TYPE I; NAGA DEFICIENCY, TYPE I; NEUROAXONAL DYSTROPHY, SCHINDLER TYPE. Identifiers: Orphanet 3137, Orphanet 79279, Orphanet 79281, MedGen C1836544, MONDO:0012221, OMIM 609241.
Alpha-N-acetylgalactosaminidase deficiency. Identifiers: Orphanet 3137, MedGen C5848084, MONDO:0017779.

gnomAD v4.1: 5 of 1,613,626 alleles (0.00031%); highest among the groups gnomAD compares: Non-Finnish European, 0.00042%; no homozygotes.

Submissions (2):

Myriad Genetics, Inc.
Classification: Pathogenic for Alpha-N-acetylgalactosaminidase deficiency. Last evaluated: 2026-05-23. Review status: criteria provided, single submitter. Criteria: Myriad Autosomal Dominant, Autosomal Recessive and X-Linked Classification Criteria (2023). Collection method: clinical testing. Allele origin: unknown.
Comment: NM_000262.2(NAGA):c.190C>T(Q64*) is expected to be pathogenic in the context of NAGA-related disorders. This variant is predicted to lead to an abnormal or absent protein product due to the creation of a premature termination codon in NAGA, a gene where loss-of-function variants are known to be pathogenic. Please note: this variant was assessed in the context of healthy population screening.

Labcorp Genetics (formerly Invitae), Labcorp
Classification: Pathogenic for Alpha-N-acetylgalactosaminidase deficiency type 1. Last evaluated: 2024-05-14. Review status: criteria provided, single submitter. Criteria: Invitae Variant Classification Sherloc (09022015). Collection method: clinical testing. Allele origin: germline.
Comment: This sequence change creates a premature translational stop signal (p.Gln64*) in the NAGA gene. It is expected to result in an absent or disrupted protein product. Loss-of-function variants in NAGA are known to be pathogenic (PMID: 8782044, 11251574). This variant is not present in population databases (gnomAD no frequency). This variant has not been reported in the literature in individuals affected with NAGA-related conditions. For these reasons, this variant has been classified as Pathogenic.

Literature cited by the submitters: PubMed 8782044 (cited by Labcorp Genetics (formerly Invitae), Labcorp); PubMed 11251574 (cited by Labcorp Genetics (formerly Invitae), Labcorp).